The following is an entry in ClinVar:

NM_001365276.2(TNXB):c.5047A>G (p.Thr1683Ala)

Gene: TNXB (tenascin XB; minus strand). Cytogenetic location: 6p21.33.
Variant type: single nucleotide variant.
Coding change: c.5047A>G on transcript NM_001365276.2 (MANE Select); coding-DNA position 5047, A replaced by G.
Protein change: p.Thr1683Ala; replaces threonine 1683 with alanine.
Molecular consequence: missense variant.
Genome position (GRCh38, 1-based): chr6:32,070,358, T>C on the plus strand (A>G on the coding strand, the complement: TNXB is on the minus strand). VCF-style: chr6-32070358-T-C. GRCh37 (hg19) VCF-style: chr6-32038135-T-C.
Other names: c.5047A>G, p.Thr1683Ala (NM_019105.8); short protein forms T1683A.
Identifiers: ClinVar variation 1744979 (VCV001744979.2), dbSNP rs764156170, ClinGen allele CA3734805.
Genomic context (GRCh38, chr6:32,070,358, plus strand): 5'-AGTCGAACTGGCCCTCAGGAACCGTCCAGGAGAGGCGCAGTGAGTCTGGGGTGGGGTCTG[T>C]CACCCACAGCTCCCCAAGGCGGGGTGGGGCCCCTGGGCTGGCGTCACCTCGGGCAACTGG-3'
Protein context (NP_001352205.1, residues 1673-1693): APPRLGELWV[Thr1683Ala]DPTPDSLRLS

ClinVar aggregate classification (germline): Uncertain significance (1 of 4 stars; one submission).

Conditions:
Cardiovascular phenotype. Identifiers: MedGen CN230736.

Allele frequency attached by ClinVar (database versions not stated): ExAC 0.00001; gnomAD exomes 0.00001.
gnomAD v4.1: 20 of 1,607,526 alleles (0.0012%); highest among the groups gnomAD compares: Non-Finnish European, 0.0017%; no homozygotes.

Submission:

Ambry Genetics
Classification: Uncertain significance for Cardiovascular phenotype. Last evaluated: 2022-04-06. Review status: criteria provided, single submitter. Criteria: Ambry Variant Classification Scheme 2023. Collection method: clinical testing. Allele origin: germline.
Comment: The p.T1683A variant (also known as c.5047A>G), located in coding exon 13 of the TNXB gene, results from an A to G substitution at nucleotide position 5047. The threonine at codon 1683 is replaced by alanine, an amino acid with similar properties. This amino acid position is conserved. In addition, this alteration is predicted to be tolerated by in silico analysis. Since supporting evidence is limited at this time, the clinical significance of this alteration remains unclear.